The following is an entry in ClinVar:

ClinVar aggregate classification (germline): Likely benign. Review status: criteria provided, multiple submitters, no conflicts (2 of 4 stars). 2 submissions from 2 submitters: Likely benign (2). Last evaluated 2025-03-13.

Conditions:
TTC21B-related disorder. Also called: TTC21B-related disorders; TTC21B-related condition.
Jeune thoracic dystrophy. Also called: Short-rib thoracic dysplasia; Jeune syndrome; Infantile thoracic dystrophy; Thoracic pelvic phalangeal dystrophy; Jeune's syndrome; Chondroectodermal dysplasia-like syndrome. Identifiers: Orphanet 474, MedGen C0265275, MONDO:0018770.
Nephronophthisis. Also called: Juvenile Nephronophthisis. Identifiers: Orphanet 655, MedGen C0687120, MONDO:0019005, HP:0000090.

Allele frequency attached by ClinVar (database versions not stated): gnomAD exomes below 0.00001 and 0.00005; gnomAD 0.00001; TOPMed 0.00001.
gnomAD v4.1: 68 of 1,613,804 alleles (0.0042%); highest among the groups gnomAD compares: Non-Finnish European, 0.0058%; no homozygotes.

Submissions (2):

Labcorp Genetics (formerly Invitae), Labcorp
Classification: Likely benign for Jeune thoracic dystrophy; Nephronophthisis. Last evaluated: 2025-03-13. Review status: criteria provided, single submitter. Criteria: Invitae Variant Classification Sherloc (09022015). Collection method: clinical testing. Allele origin: germline.

PreventionGenetics, part of Exact Sciences
Classification: Likely benign for TTC21B-related condition. Last evaluated: 2024-11-06. Review status: criteria provided, single submitter. Criteria: ACMG Guidelines, 2015. Collection method: clinical testing. Allele origin: germline.
Comment: This variant is classified as likely benign based on ACMG/AMP sequence variant interpretation guidelines (Richards et al. 2015 PMID: 25741868, with internal and published modifications).

NM_024753.5(TTC21B):c.576G>A (p.Gln192=)

Genes: TTC21B (tetratricopeptide repeat domain 21B; minus strand), TTC21B-AS1 (TTC21B antisense RNA 1; plus strand). Cytogenetic location: 2q24.3.
Variant type: single nucleotide variant.
Coding change: c.576G>A on transcript NM_024753.5 (MANE Select); coding-DNA position 576, G replaced by A.
Protein change: p.Gln192=; no amino-acid change (glutamine 192 retained).
Molecular consequence: synonymous variant.
Genome position (GRCh38, 1-based): chr2:165,941,161, C>T on the plus strand (G>A on the coding strand, the complement: TTC21B is on the minus strand). VCF-style: chr2-165941161-C-T. GRCh37 (hg19) VCF-style: chr2-166797671-C-T.
Other names: c.576G>A (NM_024753.4).
Identifiers: ClinVar variation 1628340 (VCV001628340.9), dbSNP rs762917784, ClinGen allele CA59764530.